The following is an entry in ClinVar:

NM_000545.8(HNF1A):c.1721G>A (p.Ser574Asn)

Gene: HNF1A (HNF1 homeobox A; plus strand). Cytogenetic location: 12q24.31.
Variant type: single nucleotide variant.
Coding change: c.1721G>A on transcript NM_000545.8 (MANE Select); coding-DNA position 1721, G replaced by A.
Protein change: p.Ser574Asn; replaces serine 574 with asparagine.
Molecular consequence: missense variant.
Genome position (GRCh38, 1-based): chr12:120,999,580, G>A. VCF-style: chr12-120999580-G-A. GRCh37 (hg19) VCF-style: chr12-121437383-G-A.
Other names: c.1742G>A, p.Ser581Asn (NM_001306179.2); c.1721G>A (NM_000545.6); short protein forms S574N, S581N.
Identifiers: ClinVar variation 805633 (VCV000805633.3), dbSNP rs773895173, ClinGen allele CA6832158.

ClinVar aggregate classification (germline): Uncertain significance. Review status: criteria provided, multiple submitters, no conflicts (2 of 4 stars). 3 submissions from 3 submitters: Uncertain significance (3). Last evaluated 2023-09-11.

Conditions:
Maturity-onset diabetes of the young (MODY). Also called: Maturity onset diabetes mellitus in young. Identifiers: Orphanet 552, MedGen C0342276, MONDO:0018911, HP:0004904.

Allele frequency attached by ClinVar (database versions not stated): gnomAD exomes 0.00001 and 0.00003; ExAC 0.00004; gnomAD 0.00008 and 0.00009; TOPMed 0.00010.

Submissions (3):

Women's Health and Genetics/Laboratory Corporation of America, LabCorp
Classification: Uncertain significance. Last evaluated: 2023-09-11. Review status: criteria provided, single submitter. Criteria: LabCorp Variant Classification Summary - May 2015. Collection method: clinical testing. Allele origin: germline.
Comment: Variant summary: HNF1A c.1721G>A (p.Ser574Asn) results in a conservative amino acid change located in the Hepatocyte nuclear factor 1, alpha isoform C-terminal domain (IPR006898) of the encoded protein sequence. Four of four in-silico tools predict a benign effect of the variant on protein function. The variant allele was found at a frequency of 4e-05 in 274028 control chromosomes (gnomAD). The observed variant frequency is approximately 1.6 fold of the estimated maximal expected allele frequency for a pathogenic variant in HNF1A causing Maturity Onset Diabetes Of The Young 3 phenotype (2.5e-05), suggesting that the variant may be benign. To our knowledge, no occurrence of c.1721G>A in individuals affected with Maturity Onset Diabetes Of The Young 3 and no experimental evidence demonstrating its impact on protein function have been reported. One ClinVar submitter has assessed the variant since 2014, and classified the variant as uncertain significance. Based on the evidence outlined above, the variant was classified as VUS-possibly benign.

Athena Diagnostics
Classification: Uncertain significance. Last evaluated: 2019-03-28. Review status: criteria provided, single submitter. Criteria: Athena Diagnostics Criteria. Collection method: clinical testing. Allele origin: germline.

Clinical Genomics, Uppaluri K&H Personalized Medicine Clinic
Classification: Uncertain significance for Maturity-onset diabetes of the young. Review status: criteria provided, single submitter. Criteria: K & H Uppaluri Personalized Medicine Clinic Variant Classification & Assertion Criteria_Updated V.1. Collection method: research. Allele origin: unknown. Inheritance: Autosomal dominant inheritance.
Comment: Mutations in HNF1A gene can predispose to MODY3. It is associated with both micro and macrovascular complications of diabetes, especially cardiovascular complications. Associated with glucosuria. May respond well to sulfonylureas. However, more evidence is required to confer the association of this particular variant rs773895173 with MODY3.

Literature cited by the submitters: PubMed 27967291 (cited by Athena Diagnostics); PubMed 31517624 (cited by Clinical Genomics, Uppaluri K&H Personalized Medicine Clinic); PubMed 32395877 (cited by Clinical Genomics, Uppaluri K&H Personalized Medicine Clinic); PubMed 35328643 (cited by Clinical Genomics, Uppaluri K&H Personalized Medicine Clinic); PubMed 35673428 (cited by Clinical Genomics, Uppaluri K&H Personalized Medicine Clinic).